The following is an entry in ClinVar:

NM_018896.5(CACNA1G):c.346A>G (p.Ile116Val)

Gene: CACNA1G (calcium voltage-gated channel subunit alpha1 G; plus strand). Cytogenetic location: 17q21.33.
Variant type: single nucleotide variant.
Coding change: c.346A>G on transcript NM_018896.5 (MANE Select); coding-DNA position 346, A replaced by G.
Protein change: p.Ile116Val; replaces isoleucine 116 with valine.
Molecular consequence: missense variant. On other transcripts: non-coding transcript variant (5).
Genome position (GRCh38, 1-based): chr17:50,568,973, A>G. VCF-style: chr17-50568973-A-G. GRCh37 (hg19) VCF-style: chr17-48646334-A-G.
Other names: c.346A>G, p.Ile116Val (NM_001256324.2, NM_001256325.2, NM_001256326.2 and 24 more transcripts); short protein forms I116V.
Identifiers: ClinVar variation 5002131 (VCV005002131.1).

ClinVar aggregate classification (germline): Uncertain significance (1 of 4 stars; one submission).

Conditions:
CACNA1G-related disorder. Also called: CACNA1G-related disorders; CACNA1G-related condition.

Submission:

PreventionGenetics, part of Exact Sciences
Classification: Uncertain significance for CACNA1G-related condition. Last evaluated: 2025-04-02. Review status: criteria provided, single submitter. Criteria: ACMG Guidelines, 2015. Collection method: clinical testing. Allele origin: germline.
Comment: The CACNA1G c.346A>G variant is predicted to result in the amino acid substitution p.Ile116Val. To our knowledge, this variant has not been reported in the literature or in a large population database (gnomAD), indicating this variant is rare. At this time, the clinical significance of this variant is uncertain due to the absence of conclusive functional and genetic evidence.